The following is an entry in ClinVar:

NM_001099274.3(TINF2):c.1010G>A (p.Gly337Glu)

Gene: TINF2 (TERF1 interacting nuclear factor 2; minus strand). Cytogenetic location: 14q12.
Variant type: single nucleotide variant.
Coding change: c.1010G>A on transcript NM_001099274.3 (MANE Select); coding-DNA position 1010, G replaced by A.
Protein change: p.Gly337Glu; replaces glycine 337 with glutamic acid.
Molecular consequence: missense variant.
Genome position (GRCh38, 1-based): chr14:24,240,470, C>T on the plus strand (G>A on the coding strand, the complement: TINF2 is on the minus strand). VCF-style: chr14-24240470-C-T. GRCh37 (hg19) VCF-style: chr14-24709676-C-T.
Other names: c.905G>A, p.Gly302Glu (NM_001363668.2); c.1010G>A, p.Gly337Glu (NM_012461.3); short protein forms G337E, G302E.
Identifiers: ClinVar variation 2881410 (VCV002881410.3), dbSNP rs760146341, ClinGen allele CA7130531.

ClinVar aggregate classification (germline): Uncertain significance (1 of 4 stars; one submission).

Conditions:
Dyskeratosis congenita. Identifiers: Orphanet 1775, MedGen C0265965, MONDO:0015780.

Allele frequency attached by ClinVar (database versions not stated): gnomAD exomes below 0.00001; ExAC 0.00001.
gnomAD v4.1: 1 of 1,614,144 alleles (0.000062%); highest among the groups gnomAD compares: Non-Finnish European, 0.000085%; no homozygotes.

Submission:

Labcorp Genetics (formerly Invitae), Labcorp
Classification: Uncertain significance for Dyskeratosis congenita. Last evaluated: 2023-09-22. Review status: criteria provided, single submitter. Criteria: Invitae Variant Classification Sherloc (09022015). Collection method: clinical testing. Allele origin: germline.
Comment: This sequence change replaces glycine, which is neutral and non-polar, with glutamic acid, which is acidic and polar, at codon 337 of the TINF2 protein (p.Gly337Glu). This variant is present in population databases (rs760146341, gnomAD 0.0009%). This variant has not been reported in the literature in individuals affected with TINF2-related conditions. Algorithms developed to predict the effect of missense changes on protein structure and function output the following: SIFT: "Not Available"; PolyPhen-2: "Probably Damaging"; Align-GVGD: "Not Available". The glutamic acid amino acid residue is found in multiple mammalian species, which suggests that this missense change does not adversely affect protein function. In summary, the available evidence is currently insufficient to determine the role of this variant in disease. Therefore, it has been classified as a Variant of Uncertain Significance.